The following is an entry in ClinVar:

ClinVar aggregate classification (germline): Uncertain significance (1 of 4 stars; one submission).

Allele frequency attached by ClinVar (database versions not stated): gnomAD 0.00001 and 0.00002; gnomAD exomes 0.00002 and 0.00003; ExAC 0.00003; TOPMed 0.00004; 1000 Genomes Project 30x 0.00031; 1000 Genomes Project 0.00040.
gnomAD v4.1: 49 of 1,614,244 alleles (0.003%); highest among the groups gnomAD compares: Admixed American, 0.0067%; no homozygotes.

Submission:

Labcorp Genetics (formerly Invitae), Labcorp
Classification: Uncertain significance. Last evaluated: 2026-01-29. Review status: criteria provided, single submitter. Criteria: Invitae Variant Classification Sherloc (09022015). Collection method: clinical testing. Allele origin: germline.
Comment: This sequence change replaces serine, which is neutral and polar, with asparagine, which is neutral and polar, at codon 124 of the C3 protein (p.Ser124Asn). This variant is present in population databases (rs201985442, gnomAD 0.006%). This variant has not been reported in the literature in individuals affected with C3-related conditions. ClinVar contains an entry for this variant (Variation ID: 1419723). Invitae Evidence Modeling of protein sequence and biophysical properties (such as structural, functional, and spatial information, amino acid conservation, physicochemical variation, residue mobility, and thermodynamic stability) indicates that this missense variant is expected to disrupt C3 protein function with a positive predictive value of 80%. In summary, the available evidence is currently insufficient to determine the role of this variant in disease. Therefore, it has been classified as a Variant of Uncertain Significance.

NM_000064.4(C3):c.371G>A (p.Ser124Asn)

Gene: C3 (complement C3; minus strand). Cytogenetic location: 19p13.3.
Variant type: single nucleotide variant.
Coding change: c.371G>A on transcript NM_000064.4 (MANE Select); coding-DNA position 371, G replaced by A.
Protein change: p.Ser124Asn; replaces serine 124 with asparagine.
Molecular consequence: missense variant.
Genome position (GRCh38, 1-based): chr19:6,718,309, C>T on the plus strand (G>A on the coding strand, the complement: C3 is on the minus strand). VCF-style: chr19-6718309-C-T. GRCh37 (hg19) VCF-style: chr19-6718320-C-T.
Other names: short protein forms S124N.
Identifiers: ClinVar variation 1419723 (VCV001419723.8), dbSNP rs201985442, ClinGen allele CA9129841.